The following is an entry in ClinVar:

NM_003978.5(PSTPIP1):c.516+5G>A

Gene: PSTPIP1 (proline-serine-threonine phosphatase interacting protein 1; plus strand). Cytogenetic location: 15q24.3.
Variant type: single nucleotide variant.
Coding change: c.516+5G>A on transcript NM_003978.5 (MANE Select); 5 bases into the intron after coding-DNA position 516, G replaced by A.
Molecular consequence: intron variant.
Genome position (GRCh38, 1-based): chr15:77,028,657, G>A. VCF-style: chr15-77028657-G-A. GRCh37 (hg19) VCF-style: chr15-77320998-G-A.
Other names: c.711+5G>A (NM_001321137.1); c.489+5G>A (NM_001321136.2); c.516+5G>A (NM_001321135.2).
Identifiers: ClinVar variation 1004520 (VCV001004520.6), dbSNP rs997648680, ClinGen allele CA273755545.

ClinVar aggregate classification (germline): Uncertain significance (1 of 4 stars; one submission).

Conditions:
Pyogenic arthritis-pyoderma gangrenosum-acne syndrome (PAPA). Also called: PAPA SYNDROME; FAMILIAL RECURRENT ARTHRITIS. Identifiers: Orphanet 69126, MedGen C1858361, MONDO:0011462, OMIM 604416.

Allele frequency attached by ClinVar (database versions not stated): gnomAD 0.00001; gnomAD exomes 0.00001; TOPMed 0.00002.
gnomAD v4.1: 9 of 1,546,934 alleles (0.00058%); highest among the groups gnomAD compares: Admixed American, 0.002%; no homozygotes.

Submission:

Labcorp Genetics (formerly Invitae), Labcorp
Classification: Uncertain significance for Pyogenic arthritis-pyoderma gangrenosum-acne syndrome. Last evaluated: 2025-01-01. Review status: criteria provided, single submitter. Criteria: Invitae Variant Classification Sherloc (09022015). Collection method: clinical testing. Allele origin: germline.
Comment: This sequence change falls in intron 7 of the PSTPIP1 gene. It does not directly change the encoded amino acid sequence of the PSTPIP1 protein. It affects a nucleotide within the consensus splice site. The frequency data for this variant in the population databases is considered unreliable, as metrics indicate poor data quality at this position in the gnomAD database. This variant has not been reported in the literature in individuals affected with PSTPIP1-related conditions. ClinVar contains an entry for this variant (Variation ID: 1004520). Variants that disrupt the consensus splice site are a relatively common cause of aberrant splicing (PMID: 17576681, 9536098). Algorithms developed to predict the effect of sequence changes on RNA splicing suggest that this variant may create or strengthen a splice site. In summary, the available evidence is currently insufficient to determine the role of this variant in disease. Therefore, it has been classified as a Variant of Uncertain Significance.

Literature cited by the submitters: PubMed 17576681; PubMed 9536098.